The following is an entry in ClinVar:

NM_207122.2(EXT2):c.1032T>G (p.Ile344Met)

Gene: EXT2 (exostosin glycosyltransferase 2; plus strand). Cytogenetic location: 11p11.2.
Variant type: single nucleotide variant.
Coding change: c.1032T>G on transcript NM_207122.2 (MANE Select); coding-DNA position 1032, T replaced by G.
Protein change: p.Ile344Met; replaces isoleucine 344 with methionine.
Molecular consequence: missense variant.
Genome position (GRCh38, 1-based): chr11:44,126,908, T>G. VCF-style: chr11-44126908-T-G. GRCh37 (hg19) VCF-style: chr11-44148458-T-G.
Other names: c.1131T>G, p.Ile377Met (NM_000401.3); c.1032T>G, p.Ile344Met (NM_001178083.3, NM_001389628.1, NM_001389630.1); short protein forms I344M, I377M.
Identifiers: ClinVar variation 1383977 (VCV001383977.9), dbSNP rs1954415349, ClinGen allele CA380169132.

ClinVar aggregate classification (germline): Uncertain significance. Review status: criteria provided, multiple submitters, no conflicts (2 of 4 stars). 2 submissions from 2 submitters: Uncertain significance (2). Last evaluated 2024-03-22.

Conditions:
Exostoses, multiple, type 2 (EXT2). Also called: Hereditary Multiple Osteochondromatosis, Type II; EXOSTOSES, MULTIPLE, TYPE II. Identifiers: Orphanet 321, MedGen C1851413, MONDO:0007586, OMIM 133701.

Allele frequency attached by ClinVar (database versions not stated): gnomAD exomes below 0.00001; TOPMed below 0.00001.
gnomAD v4.1: 5 of 1,614,236 alleles (0.00031%); highest among the groups gnomAD compares: Non-Finnish European, 0.00034%; no homozygotes.

Submissions (2):

Baylor Genetics
Classification: Uncertain significance for Exostoses, multiple, type 2. Last evaluated: 2024-03-22. Review status: criteria provided, single submitter. Criteria: ACMG Guidelines, 2015. Collection method: clinical testing. Allele origin: unknown.

Labcorp Genetics (formerly Invitae), Labcorp
Classification: Uncertain significance for Exostoses, multiple, type 2. Last evaluated: 2020-11-06. Review status: criteria provided, single submitter. Criteria: Invitae Variant Classification Sherloc (09022015). Collection method: clinical testing. Allele origin: germline.
Comment: This sequence change replaces isoleucine with methionine at codon 344 of the EXT2 protein (p.Ile344Met). The isoleucine residue is moderately conserved and there is a small physicochemical difference between isoleucine and methionine. This variant is not present in population databases (ExAC no frequency). This variant has not been reported in the literature in individuals with EXT2-related conditions. Algorithms developed to predict the effect of missense changes on protein structure and function (SIFT, PolyPhen-2, Align-GVGD) all suggest that this variant is likely to be tolerated, but these predictions have not been confirmed by published functional studies and their clinical significance is uncertain. In summary, the available evidence is currently insufficient to determine the role of this variant in disease. Therefore, it has been classified as a Variant of Uncertain Significance.